The following is an entry in ClinVar:

ClinVar aggregate classification (germline): Likely pathogenic (1 of 4 stars; one submission).

Conditions:
Dilated cardiomyopathy 1G (CMD1G). Identifiers: Orphanet 154, MedGen C1858763, MONDO:0011400, OMIM 604145.
Autosomal recessive limb-girdle muscular dystrophy type 2J (LGMDR10). Also called: Limb-girdle muscular dystrophy, type 2J; MUSCULAR DYSTROPHY, LIMB-GIRDLE, AUTOSOMAL RECESSIVE 10. Identifiers: Orphanet 140922, MedGen C1837342, MONDO:0012127, OMIM 608807.

Submission:

Labcorp Genetics (formerly Invitae), Labcorp
Classification: Likely pathogenic for Dilated cardiomyopathy 1G; Autosomal recessive limb-girdle muscular dystrophy type 2J. Last evaluated: 2024-08-08. Review status: criteria provided, single submitter. Criteria: Invitae Variant Classification Sherloc (09022015). Collection method: clinical testing. Allele origin: germline.
Comment: This sequence change creates a premature translational stop signal (p.Ser3376Valfs*14) in the TTN gene. While this is not anticipated to result in nonsense mediated decay, it is expected to create a truncated TTN protein. This variant is not present in population databases (gnomAD no frequency). This variant has not been reported in the literature in individuals affected with TTN-related conditions. This variant is located in the I band of TTN (PMID: 25589632). Truncating variants in this region have been reported in individuals affected with autosomal recessive centronuclear myopathy (PMID: 23975875, Invitae internal data). Truncating variants in this region have also been identified in individuals affected with autosomal dominant dilated cardiomyopathy and/or cardio-related conditions (PMID: 27869827, 32964742, Invitae internal data). In summary, the currently available evidence indicates that the variant is pathogenic, but additional data are needed to prove that conclusively. Therefore, this variant has been classified as Likely Pathogenic.

Literature cited by the submitters: PubMed 25589632; PubMed 23975875; PubMed 27869827; PubMed 32964742.

NM_001267550.2(TTN):c.10126_10130del (p.Ser3376fs)

Gene: TTN (titin; minus strand). Cytogenetic location: 2q31.2.
Variant type: Deletion.
Coding change: c.10126_10130del on transcript NM_001267550.2 (MANE Select); coding-DNA positions 10126 to 10130, 5 bases deleted (TCGTG; older notation c.10126_10130delTCGTG).
Protein change: p.Ser3376fs; shifts the reading frame from serine 3376.
Molecular consequence: frameshift variant.
Genome position (GRCh38, 1-based): chr2:178,759,157-178,759,161, CACGA deleted on the plus strand (TCGTG on the coding strand, the reverse complement: TTN is on the minus strand); deleting any 5 consecutive bases within chr2:178,759,157-178,759,164 gives the same sequence; the c. name uses the placement nearest the transcript's 3' end. VCF-style (leftmost placement, unchanged base first): chr2-178759156-CCACGA-C. GRCh37 (hg19) VCF-style: chr2-179623883-CCACGA-C.
Other names: c.10126_10130del, p.Ser3376fs (NM_001256850.1, NM_133378.4, NM_133379.5); c.9988_9992del, p.Ser3330fs (NM_003319.4, NM_133432.3, NM_133437.4); short protein forms S3330fs, S3376fs.
Identifiers: ClinVar variation 3757604 (VCV003757604.2).